The following is an entry in ClinVar:

ClinVar aggregate classification (germline): Likely benign. Review status: criteria provided, multiple submitters, no conflicts (2 of 4 stars). 4 submissions from 4 submitters: Likely benign (3). 1 of the submissions does not count toward it. Last evaluated 2025-12-01.

Conditions:
IL12RB1-related disorder. Also called: IL12RB1-related condition.
Mendelian susceptibility to mycobacterial diseases due to complete IL12RB1 deficiency. Also called: IL12RB1 DEFICIENCY; Immunodeficiency 30. Identifiers: Orphanet 319552, MedGen C4013949, MONDO:0013955, OMIM 614891.

Allele frequency attached by ClinVar (database versions not stated): gnomAD 0.00005 and 0.00021; TOPMed 0.00009; ESP Exome Variant Server 0.00016; gnomAD exomes 0.00028 and 0.00050; ExAC 0.00056; 1000 Genomes Project 30x 0.00062; 1000 Genomes Project 0.00080.
gnomAD v4.1: 434 of 1,613,432 alleles (0.027%); highest among the groups gnomAD compares: South Asian, 0.38%; 6 homozygotes.

Submissions (4):

Labcorp Genetics (formerly Invitae), Labcorp
Classification: Likely benign for Mendelian susceptibility to mycobacterial diseases due to complete IL12RB1 deficiency. Last evaluated: 2025-12-01. Review status: criteria provided, single submitter. Criteria: Invitae Variant Classification Sherloc (09022015). Collection method: clinical testing. Allele origin: germline.

Blueprint Genetics
Classification: Likely benign. Last evaluated: 2024-11-13. Review status: criteria provided, single submitter. Criteria: ACMG Guidelines, 2015. Collection method: clinical testing. Allele origin: germline.

Breakthrough Genomics
Classification: Likely benign. Review status: criteria provided, single submitter. Criteria: ACMG Guidelines, 2015. Collection method: not provided. Allele origin: germline. Inheritance: Autosomal recessive inheritance. Affected: yes.

PreventionGenetics, part of Exact Sciences
Classification: Likely benign for IL12RB1-related condition. Last evaluated: 2024-08-28. Review status: no assertion criteria provided. Collection method: clinical testing. Allele origin: germline. Not counted in ClinVar's aggregate classification.
Comment: This variant is classified as likely benign based on ACMG/AMP sequence variant interpretation guidelines (Richards et al. 2015 PMID: 25741868, with internal and published modifications).

NM_005535.3(IL12RB1):c.1457G>A (p.Arg486Gln)

Gene: IL12RB1 (interleukin 12 receptor subunit beta 1; minus strand). Cytogenetic location: 19p13.11.
Variant type: single nucleotide variant.
Coding change: c.1457G>A on transcript NM_005535.3 (MANE Select); coding-DNA position 1457, G replaced by A.
Protein change: p.Arg486Gln; replaces arginine 486 with glutamine.
Molecular consequence: missense variant.
Genome position (GRCh38, 1-based): chr19:18,066,568, C>T on the plus strand (G>A on the coding strand, the complement: IL12RB1 is on the minus strand). VCF-style: chr19-18066568-C-T. GRCh37 (hg19) VCF-style: chr19-18177378-C-T.
Other names: c.1457G>A, p.Arg486Gln (NM_001290023.2); c.1577G>A, p.Arg526Gln (NM_001290024.2); short protein forms R486Q, R526Q.
Identifiers: ClinVar variation 1148861 (VCV001148861.12), dbSNP rs369576406, ClinGen allele CA9304829.